The following is an entry in ClinVar:

NM_001113491.2(SEPTIN9):c.*740C>T

Gene: SEPTIN9 (septin 9; plus strand). Cytogenetic location: 17q25.3.
Variant type: single nucleotide variant.
Coding change: c.*740C>T on transcript NM_001113491.2 (MANE Select); 740 bases downstream of the stop codon, C replaced by T.
Molecular consequence: 3 prime UTR variant.
Genome position (GRCh38, 1-based): chr17:77,499,398, C>T. VCF-style: chr17-77499398-C-T. GRCh37 (hg19) VCF-style: chr17-75495480-C-T.
Other names: c.*740C>T (NM_001113492.2, NM_001113493.2, NM_001113494.1 and 7 more transcripts).
Identifiers: ClinVar variation 325595 (VCV000325595.6), dbSNP rs442959, ClinGen allele CA8794039.

ClinVar aggregate classification (germline): Benign. Review status: criteria provided, multiple submitters, no conflicts (2 of 4 stars). 2 submissions from 2 submitters: Benign (2). Last evaluated 2017-04-27.

Conditions:
Amyotrophic neuralgia (HNA). Also called: AMYOTROPHY, HEREDITARY NEURALGIC; Hereditary Brachial Plexus Neuropathy; Neuritis with Brachial Predilection; AMYOTROPHY, HEREDITARY NEURALGIC, WITH PREDILECTION FOR BRACHIAL PLEXUS. Identifiers: Orphanet 2901, MedGen C1834304, MONDO:0008076, OMIM 162100.

Allele frequency attached by ClinVar (database versions not stated): gnomAD exomes 0.01558 and 0.02026; ExAC 0.03647; gnomAD 0.05813 and 0.06084; TOPMed 0.06491; 1000 Genomes Project 0.07768; 1000 Genomes Project 30x 0.07776.

Submissions (2):

Illumina Laboratory Services, Illumina
Classification: Benign for Amyotrophy, hereditary neuralgic. Last evaluated: 2017-04-27. Review status: criteria provided, single submitter. Criteria: ICSL Variant Classification Criteria 13 December 2019. Collection method: clinical testing. Allele origin: germline.
Comment: This variant was observed as part of a predisposition screen in an ostensibly healthy population. A literature search was performed for the gene, cDNA change, and amino acid change (where applicable). No publications were found based on this search. Allele frequency data from public databases was too high to be consistent with this variant causing disease. Therefore, this variant is classified as benign.

Breakthrough Genomics
Classification: Benign. Review status: criteria provided, single submitter. Criteria: ACMG Guidelines, 2015. Collection method: not provided. Allele origin: germline. Inheritance: Autosomal dominant inheritance. Affected: yes.